The following is an entry in ClinVar:

ClinVar aggregate classification (germline): Benign (0 of 4 stars; one submission).

Conditions:
ARID5B-related disorder. Also called: ARID5B-related condition.

Allele frequency attached by ClinVar (database versions not stated): ESP Exome Variant Server 0.00031; gnomAD exomes 0.00418; gnomAD 0.00664; TOPMed 0.00951; ExAC 0.01218; 1000 Genomes Project 30x 0.01640; 1000 Genomes Project 0.01697.
gnomAD v4.1: 7,162 of 1,614,140 alleles (0.44%); highest among the groups gnomAD compares: East Asian, 6.4%; 243 homozygotes.

Submission:

PreventionGenetics, part of Exact Sciences
Classification: Benign for ARID5B-related condition. Last evaluated: 2019-08-01. Review status: no assertion criteria provided. Collection method: clinical testing. Allele origin: germline.
Comment: This variant is classified as benign based on ACMG/AMP sequence variant interpretation guidelines (Richards et al. 2015 PMID: 25741868, with internal and published modifications).

NM_032199.3(ARID5B):c.1812G>A (p.Pro604=)

Gene: ARID5B (AT-rich interaction domain 5B; plus strand). Cytogenetic location: 10q21.2.
Variant type: single nucleotide variant.
Coding change: c.1812G>A on transcript NM_032199.3 (MANE Select); coding-DNA position 1812, G replaced by A.
Protein change: p.Pro604=; no amino-acid change (proline 604 retained).
Molecular consequence: synonymous variant.
Genome position (GRCh38, 1-based): chr10:62,091,275, G>A. VCF-style: chr10-62091275-G-A. GRCh37 (hg19) VCF-style: chr10-63851034-G-A.
Other names: c.1083G>A, p.Pro361= (NM_001244638.2).
Identifiers: ClinVar variation 3037676 (VCV003037676.2), dbSNP rs117297247, ClinGen allele CA5515396.